The following is an entry in ClinVar:

ClinVar aggregate classification (germline): Benign/Likely benign. Review status: criteria provided, multiple submitters, no conflicts (2 of 4 stars). 14 submissions from 14 submitters: Benign (5); Likely benign (5). 4 of the submissions do not count toward it. Last evaluated 2026-02-01.

Conditions:
Cardiovascular phenotype. Identifiers: MedGen CN230736.
Cardiomyopathy (CMYO). Also called: Cardiomyopathies. Identifiers: Orphanet 167848, MedGen C0878544, MONDO:0004994, HP:0001638. Inheritance: Various modes of inheritance.
Arrhythmogenic right ventricular dysplasia 9 (ARVD9). Also called: Arrhythmogenic Right Ventricular Dysplasia/Cardiomyopathy 9; ARRHYTHMOGENIC RIGHT VENTRICULAR DYSPLASIA, FAMILIAL, 9. Identifiers: MedGen C1836906, MONDO:0012180, OMIM 609040.

Allele frequency attached by ClinVar (database versions not stated): gnomAD exomes 0.00014 and 0.00047; ExAC 0.00064; 1000 Genomes Project 30x 0.00125; ESP Exome Variant Server 0.00138; 1000 Genomes Project 0.00160; gnomAD 0.00172 and 0.00189; TOPMed 0.00192.
gnomAD v4.1: 476 of 1,614,220 alleles (0.029%); highest among the groups gnomAD compares: African/African-American, 0.56%; 1 homozygote.

Submissions (14):

Labcorp Genetics (formerly Invitae), Labcorp
Classification: Benign for Arrhythmogenic right ventricular dysplasia 9. Last evaluated: 2026-02-01. Review status: criteria provided, single submitter. Criteria: Invitae Variant Classification Sherloc (09022015). Collection method: clinical testing. Allele origin: germline.

Blueprint Genetics
Classification: Likely benign. Last evaluated: 2024-07-09. Review status: criteria provided, single submitter. Criteria: ACMG Guidelines, 2015. Collection method: clinical testing. Allele origin: germline.

ARUP Laboratories, Molecular Genetics and Genomics, ARUP Laboratories
Classification: Benign for Arrhythmogenic right ventricular dysplasia 9. Last evaluated: 2023-10-16. Review status: criteria provided, single submitter. Criteria: ARUP Molecular Germline Variant Investigation Process 2024. Collection method: clinical testing. Allele origin: germline.

GeneDx
Classification: Likely benign. Last evaluated: 2020-09-25. Review status: criteria provided, single submitter. Criteria: GeneDx Variant Classification Process June 2021. Collection method: clinical testing. Allele origin: germline. Affected: yes.
Comment: This variant is associated with the following publications: (PMID: 23861362, 24503780)

CHEO Genetics Diagnostic Laboratory, Children's Hospital of Eastern Ontario
Classification: Benign for Cardiomyopathy. Last evaluated: 2019-05-13. Review status: criteria provided, single submitter. Criteria: ACMG Guidelines, 2015. Collection method: clinical testing. Allele origin: germline.

Color Diagnostics, LLC DBA Color Health
Classification: Benign for Cardiomyopathy. Last evaluated: 2018-04-13. Review status: criteria provided, single submitter. Criteria: ACMG Guidelines, 2015. Collection method: clinical testing. Allele origin: germline.

Illumina Laboratory Services, Illumina
Classification: Likely benign for Arrhythmogenic right ventricular dysplasia 9. Last evaluated: 2018-01-13. Review status: criteria provided, single submitter. Criteria: ICSL Variant Classification Criteria 13 December 2019. Collection method: clinical testing. Allele origin: germline.
Comment: This variant was observed in the ICSL laboratory as part of a predisposition screen in an ostensibly healthy population. It had not been previously curated by ICSL or reported in the Human Gene Mutation Database (HGMD: prior to June 1st, 2018), and was therefore a candidate for classification through an automated scoring system. Utilizing variant allele frequency, disease prevalence and penetrance estimates, and inheritance mode, an automated score was calculated to assess if this variant is too frequent to cause the disease. Based on the score and internal cut-off values, a variant classified as likely benign is not then subjected to further curation. The score for this variant resulted in a classification of likely benign for this disease.

Laboratory for Molecular Medicine, Mass General Brigham Personalized Medicine
Classification: Likely benign. Last evaluated: 2017-05-18. Review status: criteria provided, single submitter. Criteria: LMM Criteria. Collection method: clinical testing. Allele origin: germline. Observed: 12 variant alleles.
Comment: p.Ala236Ser in exon 3 of PKP2: This variant is not expected to have clinical sig nificance because it has been identified in 0.6% (147/24028) of African chromoso mes by the Genome Aggregation Database (gnomAD; dbSNP rs62001015).

Ambry Genetics
Classification: Benign for Cardiovascular phenotype. Last evaluated: 2017-04-05. Review status: criteria provided, single submitter. Criteria: Ambry Variant Classification Scheme 2023. Collection method: clinical testing. Allele origin: germline.

Biesecker Lab/Clinical Genomics Section, National Institutes of Health
Classification: Likely benign. Last evaluated: 2013-06-24. Review status: criteria provided, single submitter. Criteria: Ng et al. (Circ Cardiovasc Genet. 2013). Collection method: research. Allele origin: unknown. Observed: 1 variant allele. Study: ClinSeq.
Comment: The study set was not selected for affection status in relation to any cancer. Pathogenicity categories were based on literature curation. See Pubmed ID:23861362 for details.

Medical sequencing

Clinical Genetics DNA and cytogenetics Diagnostics Lab, Erasmus MC, Erasmus Medical Center
Classification: Likely benign. Review status: no assertion criteria provided. Collection method: clinical testing. Allele origin: germline. Affected: yes. Study: VKGL Data-share Consensus. Not counted in ClinVar's aggregate classification.

Clinical Genetics, Academic Medical Center
Classification: Benign. Review status: no assertion criteria provided. Collection method: clinical testing. Allele origin: germline. Affected: yes. Study: VKGL Data-share Consensus. Not counted in ClinVar's aggregate classification.

Genome Diagnostics Laboratory, University Medical Center Utrecht
Classification: Likely benign. Review status: no assertion criteria provided. Collection method: clinical testing. Allele origin: germline. Affected: yes. Study: VKGL Data-share Consensus. Not counted in ClinVar's aggregate classification.

Joint Genome Diagnostic Labs from Nijmegen and Maastricht, Radboudumc and MUMC+
Classification: Likely benign. Review status: no assertion criteria provided. Collection method: clinical testing. Allele origin: germline. Affected: yes. Study: VKGL Data-share Consensus. Not counted in ClinVar's aggregate classification.

NM_001005242.3(PKP2):c.706G>T (p.Ala236Ser)

Gene: PKP2 (plakophilin 2; minus strand). Cytogenetic location: 12p11.21.
Variant type: single nucleotide variant.
Coding change: c.706G>T on transcript NM_001005242.3 (MANE Select); coding-DNA position 706, G replaced by T.
Protein change: p.Ala236Ser; replaces alanine 236 with serine.
Molecular consequence: missense variant.
Genome position (GRCh38, 1-based): chr12:32,878,174, C>A on the plus strand (G>T on the coding strand, the complement: PKP2 is on the minus strand). VCF-style: chr12-32878174-C-A. GRCh37 (hg19) VCF-style: chr12-33031108-C-A.
Other names: p.A236S:GCC>TCC; c.706G>T, p.Ala236Ser (NM_004572.4); short protein forms A236S.
Identifiers: ClinVar variation 45083 (VCV000045083.39), dbSNP rs62001015, ClinGen allele CA012450.